The following is an entry in ClinVar:

ClinVar aggregate classification (germline): Uncertain significance (1 of 4 stars; one submission).

Conditions:
Emery-Dreifuss muscular dystrophy 5, autosomal dominant (EDMD5). Also called: EMERY-DREIFUSS MUSCULAR DYSTROPHY 5. Identifiers: Orphanet 261, MedGen C2751805, MONDO:0013072, OMIM 612999.

Allele frequency attached by ClinVar (database versions not stated): TOPMed below 0.00001; gnomAD 0.00001.

Submission:

Labcorp Genetics (formerly Invitae), Labcorp
Classification: Uncertain significance for Emery-Dreifuss muscular dystrophy 5, autosomal dominant. Last evaluated: 2022-03-18. Review status: criteria provided, single submitter. Criteria: Invitae Variant Classification Sherloc (09022015). Collection method: clinical testing. Allele origin: germline.
Comment: In summary, the available evidence is currently insufficient to determine the role of this variant in disease. Therefore, it has been classified as a Variant of Uncertain Significance. Algorithms developed to predict the effect of missense changes on protein structure and function output the following: SIFT: "Tolerated"; PolyPhen-2: "Benign"; Align-GVGD: "Class C0". The glutamic acid amino acid residue is found in multiple mammalian species, which suggests that this missense change does not adversely affect protein function. ClinVar contains an entry for this variant (Variation ID: 1063187). This variant has not been reported in the literature in individuals affected with SYNE2-related conditions. This variant is not present in population databases (gnomAD no frequency). This sequence change replaces glycine, which is neutral and non-polar, with glutamic acid, which is acidic and polar, at codon 3318 of the SYNE2 protein (p.Gly3318Glu).

NM_182914.3(SYNE2):c.9953G>A (p.Gly3318Glu)

Gene: SYNE2 (spectrin repeat containing nuclear envelope protein 2; plus strand). Cytogenetic location: 14q23.2.
Variant type: single nucleotide variant.
Coding change: c.9953G>A on transcript NM_182914.3 (MANE Select); coding-DNA position 9953, G replaced by A.
Protein change: p.Gly3318Glu; replaces glycine 3318 with glutamic acid.
Molecular consequence: missense variant.
Genome position (GRCh38, 1-based): chr14:64,056,152, G>A. VCF-style: chr14-64056152-G-A. GRCh37 (hg19) VCF-style: chr14-64522870-G-A.
Other names: c.9953G>A, p.Gly3318Glu (NM_015180.6); short protein forms G3318E.
Identifiers: ClinVar variation 1063187 (VCV001063187.9), dbSNP rs2097266908, ClinGen allele CA389987818.